The following is an entry in ClinVar:

ClinVar aggregate classification (germline): Conflicting classifications of pathogenicity. Review status: criteria provided, conflicting classifications (1 of 4 stars). 4 submissions from 4 submitters: Uncertain significance (3); Likely benign (1). Last evaluated 2024-06-11.

Conditions:
Hereditary cancer-predisposing syndrome. Also called: Tumor predisposition; Hereditary neoplastic syndrome; Neoplastic Syndromes, Hereditary; Hereditary Cancer Syndrome. Identifiers: Orphanet 140162, MedGen C0027672, MeSH D009386, MONDO:0015356.
Hereditary breast ovarian cancer syndrome. Also called: BRCA1- and BRCA2-Associated Hereditary Breast and Ovarian Cancer; Hereditary breast and ovarian cancer; Hereditary breast and ovarian cancer syndrome; Breast and ovarian cancer; Hereditary breast and/or ovarian cancer syndrome; Hereditary breast and ovarian cancer syndrome (HBOC). Identifiers: Orphanet 145, MedGen C0677776, MeSH D061325, MONDO:0003582. Disease mechanism: loss of function.

Submissions (4):

Labcorp Genetics (formerly Invitae), Labcorp
Classification: Uncertain significance for Hereditary breast ovarian cancer syndrome. Last evaluated: 2024-06-11. Review status: criteria provided, single submitter. Criteria: Invitae Variant Classification Sherloc (09022015). Collection method: clinical testing. Allele origin: germline.
Comment: This sequence change replaces leucine, which is neutral and non-polar, with phenylalanine, which is neutral and non-polar, at codon 1051 of the BRCA2 protein (p.Leu1051Phe). This variant is not present in population databases (gnomAD no frequency). This variant has not been reported in the literature in individuals affected with BRCA2-related conditions. ClinVar contains an entry for this variant (Variation ID: 1011290). Advanced modeling of protein sequence and biophysical properties (such as structural, functional, and spatial information, amino acid conservation, physicochemical variation, residue mobility, and thermodynamic stability) performed at Invitae indicates that this missense variant is not expected to disrupt BRCA2 protein function with a negative predictive value of 95%. In summary, the available evidence is currently insufficient to determine the role of this variant in disease. Therefore, it has been classified as a Variant of Uncertain Significance.

University of Washington Department of Laboratory Medicine, University of Washington
Classification: Likely benign for Hereditary cancer-predisposing syndrome. Last evaluated: 2023-03-23. Review status: criteria provided, single submitter. Criteria: Dines et al. (Genet Med. 2020). Collection method: curation. Allele origin: germline.
Comment: Missense variant in a coldspot region where missense variants are very unlikely to be pathogenic (PMID:31911673).

BRCA2 exon 11 coldspot. Reclassification based on statistical prior probability.

Ambry Genetics
Classification: Uncertain significance for Hereditary cancer-predisposing syndrome. Last evaluated: 2022-06-09. Review status: criteria provided, single submitter. Criteria: Ambry Variant Classification Scheme 2023. Collection method: clinical testing. Allele origin: germline.
Comment: The p.L1051F variant (also known as c.3153G>C), located in coding exon 10 of the BRCA2 gene, results from a G to C substitution at nucleotide position 3153. The leucine at codon 1051 is replaced by phenylalanine, an amino acid with highly similar properties. This amino acid position is not well conserved in available vertebrate species. In addition, this alteration is predicted to be tolerated by in silico analysis. Since supporting evidence is limited at this time, the clinical significance of this alteration remains unclear.

Sema4
Classification: Uncertain significance for Hereditary cancer-predisposing syndrome. Last evaluated: 2021-09-10. Review status: criteria provided, single submitter. Criteria: Sema4 Curation Guidelines. Collection method: curation. Allele origin: germline.
Comment: The BRCA2 c.3153G>C (p.L1051F) variant has not been reported in the literature to our knowledge. It was not observed in the large and broad cohorts of the Genome Aggregation Database, but has been reported in ClinVar (Variation ID 1011290). Functional studies have not been performed, and in silico predictions of the variant's effect on protein function are inconclusive. The evidence is insufficient to meet ACMG/AMP criteria for classifying the variant as benign or pathogenic. Thus, the clinical significance of this variant is currently uncertain.

NM_000059.4(BRCA2):c.3153G>C (p.Leu1051Phe)

Gene: BRCA2 (BRCA2 DNA repair associated; plus strand). Cytogenetic location: 13q13.1.
Variant type: single nucleotide variant.
Coding change: c.3153G>C on transcript NM_000059.4 (MANE Select); coding-DNA position 3153, G replaced by C.
Protein change: p.Leu1051Phe; replaces leucine 1051 with phenylalanine.
Molecular consequence: missense variant.
Genome position (GRCh38, 1-based): chr13:32,337,508, G>C. VCF-style: chr13-32337508-G-C. GRCh37 (hg19) VCF-style: chr13-32911645-G-C.
Other names: short protein forms L1051F.
Identifiers: ClinVar variation 1011290 (VCV001011290.13), dbSNP rs1566227877, ClinGen allele CA387775771.
Genomic context (GRCh38, chr13:32,337,508, plus strand): 5'-CAAAGATATTGAAGAACAATATCCTACTAGTTTAGCTTGTGTTGAAATTGTAAATACCTT[G>C]GCATTAGATAATCAAAAGAAACTGAGCAAGCCTCAGTCAATTAATACTGTATCTGCACAT-3'
Protein context (NP_000050.3, residues 1041-1061): SLACVEIVNT[Leu1051Phe]ALDNQKKLSK